The following is an entry in ClinVar:

NM_000387.6(SLC25A20):c.109C>T (p.Arg37Ter)

Gene: SLC25A20 (solute carrier family 25 member 20; minus strand). Cytogenetic location: 3p21.31.
Variant type: single nucleotide variant.
Coding change: c.109C>T on transcript NM_000387.6 (MANE Select); coding-DNA position 109, C replaced by T.
Protein change: p.Arg37Ter; replaces arginine 37 with a stop codon.
Molecular consequence: nonsense.
Genome position (GRCh38, 1-based): chr3:48,892,069, G>A on the plus strand (C>T on the coding strand, the complement: SLC25A20 is on the minus strand). VCF-style: chr3-48892069-G-A. GRCh37 (hg19) VCF-style: chr3-48929502-G-A.
Other names: short protein forms R37*.
Identifiers: ClinVar variation 3021547 (VCV003021547.4), dbSNP rs776288377, ClinGen allele CA2387492.
Genomic context (GRCh38, chr3:48,892,069, plus strand): 5'-CAAAGGTCCCAGAGTACATGGGAGGTTGTCCAGGCAAACTCGGTGGCTGTGTCTGCAGTC[G>A]GACCTGAAAACAGAAGTTAAAATGCAGTCACCTACCAGAATCAGAACTGCCTGTCAGCAG-3'

ClinVar aggregate classification (germline): Pathogenic/Likely pathogenic. Review status: criteria provided, multiple submitters, no conflicts (2 of 4 stars). 2 submissions from 2 submitters: Pathogenic (1); Likely pathogenic (1). Last evaluated 2024-05-22.

Conditions:
Carnitine acylcarnitine translocase deficiency (CACTD). Identifiers: Orphanet 159, MedGen C0342791, MONDO:0008918, OMIM 212138.

Allele frequency attached by ClinVar (database versions not stated): ExAC 0.00001; gnomAD 0.00001; TOPMed 0.00001.
gnomAD v4.1: 17 of 1,613,390 alleles (0.0011%); highest among the groups gnomAD compares: Admixed American, 0.005%; no homozygotes.

Submissions (2):

Fulgent Genetics
Classification: Likely pathogenic for Carnitine acylcarnitine translocase deficiency. Last evaluated: 2024-05-22. Review status: criteria provided, single submitter. Criteria: ACMG Guidelines, 2015. Collection method: clinical testing. Allele origin: germline.

Labcorp Genetics (formerly Invitae), Labcorp
Classification: Pathogenic for Carnitine acylcarnitine translocase deficiency. Last evaluated: 2023-10-25. Review status: criteria provided, single submitter. Criteria: Invitae Variant Classification Sherloc (09022015). Collection method: clinical testing. Allele origin: germline.
Comment: This sequence change creates a premature translational stop signal (p.Arg37*) in the SLC25A20 gene. It is expected to result in an absent or disrupted protein product. Loss-of-function variants in SLC25A20 are known to be pathogenic (PMID: 25614308). This variant is present in population databases (rs776288377, gnomAD 0.009%). This premature translational stop signal has been observed in individual(s) with carnitine-acylcarnitine translocase deficiency (PMID: 34626609). For these reasons, this variant has been classified as Pathogenic.

Literature cited by the submitters: PubMed 25614308 (cited by Labcorp Genetics (formerly Invitae), Labcorp); PubMed 34626609 (cited by Labcorp Genetics (formerly Invitae), Labcorp).